The following is an entry in ClinVar:

ClinVar aggregate classification (germline): Uncertain significance. Review status: criteria provided, multiple submitters, no conflicts (2 of 4 stars). 2 submissions from 2 submitters: Uncertain significance (2). Last evaluated 2025-04-13.

Conditions:
Adams-Oliver syndrome 5 (AOS5). Identifiers: Orphanet 974, MedGen C4014970, MONDO:0014459, OMIM 616028.
Familial thoracic aortic aneurysm and aortic dissection (TAAD). Also called: Thoracic aortic aneurysms and dissections. Identifiers: Orphanet 91387, MedGen C4707243, MONDO:0019625.

gnomAD v4.1: 2 of 1,612,972 alleles (0.00012%); highest among the groups gnomAD compares: East Asian, 0.0045%; no homozygotes.

Submissions (2):

Labcorp Genetics (formerly Invitae), Labcorp
Classification: Uncertain significance for Adams-Oliver syndrome 5. Last evaluated: 2025-04-13. Review status: criteria provided, single submitter. Criteria: Invitae Variant Classification Sherloc (09022015). Collection method: clinical testing. Allele origin: germline.
Comment: This sequence change replaces glutamic acid, which is acidic and polar, with glutamine, which is neutral and polar, at codon 663 of the NOTCH1 protein (p.Glu663Gln). This variant is not present in population databases (gnomAD no frequency). This variant has not been reported in the literature in individuals affected with NOTCH1-related conditions. ClinVar contains an entry for this variant (Variation ID: 3226955). Invitae Evidence Modeling of protein sequence and biophysical properties (such as structural, functional, and spatial information, amino acid conservation, physicochemical variation, residue mobility, and thermodynamic stability) indicates that this missense variant is not expected to disrupt NOTCH1 protein function with a negative predictive value of 80%. In summary, the available evidence is currently insufficient to determine the role of this variant in disease. Therefore, it has been classified as a Variant of Uncertain Significance.

Ambry Genetics
Classification: Uncertain significance for Familial thoracic aortic aneurysm and aortic dissection. Last evaluated: 2023-12-25. Review status: criteria provided, single submitter. Criteria: Ambry Variant Classification Scheme 2023. Collection method: clinical testing. Allele origin: germline.
Comment: The p.E663Q variant (also known as c.1987G>C), located in coding exon 12 of the NOTCH1 gene, results from a G to C substitution at nucleotide position 1987. The glutamic acid at codon 663 is replaced by glutamine, an amino acid with highly similar properties. This amino acid position is conserved. In addition, the in silico prediction for this alteration is inconclusive. Since supporting evidence is limited at this time, the clinical significance of this alteration remains unclear.

NM_017617.5(NOTCH1):c.1987G>C (p.Glu663Gln)

Gene: NOTCH1 (notch receptor 1; minus strand). Cytogenetic location: 9q34.3.
Variant type: single nucleotide variant.
Coding change: c.1987G>C on transcript NM_017617.5 (MANE Select); coding-DNA position 1987, G replaced by C.
Protein change: p.Glu663Gln; replaces glutamic acid 663 with glutamine.
Molecular consequence: missense variant.
Genome position (GRCh38, 1-based): chr9:136,515,317, C>G on the plus strand (G>C on the coding strand, the complement: NOTCH1 is on the minus strand). VCF-style: chr9-136515317-C-G. GRCh37 (hg19) VCF-style: chr9-139409769-C-G.
Other names: short protein forms E663Q.
Identifiers: ClinVar variation 3226955 (VCV003226955.2), dbSNP rs548000491, ClinGen allele CA375559133.